The following is an entry in ClinVar:

ClinVar aggregate classification (germline): Uncertain significance (1 of 4 stars; one submission).

Conditions:
Melanoma, cutaneous malignant, susceptibility to, 8. Also called: MELANOMA AND RENAL CELL CARCINOMA, SUSCEPTIBILITY TO; Cutaneous malignant melanoma 8. Identifiers: Orphanet 293822, MedGen C3152204, MONDO:0013759, OMIM 614456.
Tietz syndrome (TADS). Also called: ALBINISM-DEAFNESS OF TIETZ; HYPOPIGMENTATION/DEAFNESS OF TIETZ; TIETZ ALBINISM-DEAFNESS SYNDROME. Identifiers: Orphanet 42665, MedGen C0391816, MONDO:0007077, OMIM 103500.
Waardenburg syndrome type 2A (WS2A). Also called: WAARDENBURG SYNDROME WITHOUT DYSTOPIA CANTHORUM. Identifiers: Orphanet 3440, MedGen C1860339, MONDO:0008671, OMIM 193510.

Submission:

Labcorp Genetics (formerly Invitae), Labcorp
Classification: Uncertain significance for Melanoma, cutaneous malignant, susceptibility to, 8; Waardenburg syndrome type 2A; Tietz syndrome. Last evaluated: 2025-05-21. Review status: criteria provided, single submitter. Criteria: Invitae Variant Classification Sherloc (09022015). Collection method: clinical testing. Allele origin: germline.
Comment: This sequence change replaces valine, which is neutral and non-polar, with alanine, which is neutral and non-polar, at codon 311 of the MITF protein (p.Val311Ala). This variant is not present in population databases (gnomAD no frequency). This variant has not been reported in the literature in individuals affected with MITF-related conditions. ClinVar contains an entry for this variant (Variation ID: 2951538). Invitae Evidence Modeling of protein sequence and biophysical properties (such as structural, functional, and spatial information, amino acid conservation, physicochemical variation, residue mobility, and thermodynamic stability) indicates that this missense variant is not expected to disrupt MITF protein function with a negative predictive value of 80%. In summary, the available evidence is currently insufficient to determine the role of this variant in disease. Therefore, it has been classified as a Variant of Uncertain Significance.

NM_001354604.2(MITF):c.1253T>C (p.Val418Ala)

Gene: MITF (melanocyte inducing transcription factor; plus strand). Cytogenetic location: 3p13.
Variant type: single nucleotide variant.
Coding change: c.1253T>C on transcript NM_001354604.2 (MANE Select); coding-DNA position 1253, T replaced by C.
Protein change: p.Val418Ala; replaces valine 418 with alanine.
Molecular consequence: missense variant.
Genome position (GRCh38, 1-based): chr3:69,964,920, T>C. VCF-style: chr3-69964920-T-C. GRCh37 (hg19) VCF-style: chr3-70014071-T-C.
Other names: c.932T>C, p.Val311Ala (NM_000248.4); c.1079T>C, p.Val360Ala (NM_001184967.2, NM_001354608.2); c.1250T>C, p.Val417Ala (NM_001354605.2); c.1232T>C, p.Val411Ala (NM_001354606.2, NM_006722.3); c.1184T>C, p.Val395Ala (NM_001354607.2); c.914T>C, p.Val305Ala (NM_198158.3); c.1235T>C, p.Val412Ala (NM_198159.3); c.1187T>C, p.Val396Ala (NM_198177.3); and 1 more; short protein forms V305A, V311A, V417A, V411A, V418A, V249A, V412A, V360A.
Identifiers: ClinVar variation 2951538 (VCV002951538.3), dbSNP rs2471671944, ClinGen allele CA353559458.